The following is an entry in ClinVar:

NM_182978.4(GNAL):c.1192G>C (p.Val398Leu)

Gene: GNAL (G protein subunit alpha L; plus strand). Cytogenetic location: 18p11.21.
Variant type: single nucleotide variant.
Coding change: c.1192G>C on transcript NM_182978.4 (MANE Select); coding-DNA position 1192, G replaced by C.
Protein change: p.Val398Leu; replaces valine 398 with leucine.
Molecular consequence: missense variant.
Genome position (GRCh38, 1-based): chr18:11,876,650, G>C. VCF-style: chr18-11876650-G-C. GRCh37 (hg19) VCF-style: chr18-11876649-G-C.
Other names: c.961G>C, p.Val321Leu (NM_001142339.3, NM_001261443.2, NM_001369387.1); c.340G>C, p.Val114Leu (NM_001261444.2); short protein forms V114L, V321L, V398L.
Identifiers: ClinVar variation 1944693 (VCV001944693.5), dbSNP rs2510514738, ClinGen allele CA401934292.

ClinVar aggregate classification (germline): Uncertain significance (1 of 4 stars; one submission).

Conditions:
Dystonic disorder. Also called: Dystonia. Identifiers: MedGen C0013421, MONDO:0003441, HP:0001332.

Submission:

Labcorp Genetics (formerly Invitae), Labcorp
Classification: Uncertain significance for Dystonic disorder. Last evaluated: 2022-03-22. Review status: criteria provided, single submitter. Criteria: Invitae Variant Classification Sherloc (09022015). Collection method: clinical testing. Allele origin: germline.
Comment: In summary, the available evidence is currently insufficient to determine the role of this variant in disease. Therefore, it has been classified as a Variant of Uncertain Significance. Algorithms developed to predict the effect of missense changes on protein structure and function (SIFT, PolyPhen-2, Align-GVGD) all suggest that this variant is likely to be disruptive. This variant has not been reported in the literature in individuals affected with GNAL-related conditions. This variant is not present in population databases (gnomAD no frequency). This sequence change replaces valine, which is neutral and non-polar, with leucine, which is neutral and non-polar, at codon 321 of the GNAL protein (p.Val321Leu).